The following is an entry in ClinVar:

ClinVar aggregate classification (germline): Conflicting classifications of pathogenicity. Review status: criteria provided, conflicting classifications (1 of 4 stars). 2 submissions from 2 submitters: Uncertain significance (1); Likely benign (1). Last evaluated 2025-02-26.

Conditions:
Hereditary cancer-predisposing syndrome. Also called: Neoplastic Syndromes, Hereditary; Tumor predisposition; Hereditary neoplastic syndrome; Hereditary Cancer Syndrome. Identifiers: Orphanet 140162, MedGen C0027672, MeSH D009386, MONDO:0015356.

Submissions (2):

Ambry Genetics
Classification: Uncertain significance for Hereditary cancer-predisposing syndrome. Last evaluated: 2025-02-26. Review status: criteria provided, single submitter. Criteria: Ambry Variant Classification Scheme 2023. Collection method: clinical testing. Allele origin: germline.
Comment: The p.L1230I variant (also known as c.3688T>A), located in coding exon 9 of the BRCA1 gene, results from a T to A substitution at nucleotide position 3688. The leucine at codon 1230 is replaced by isoleucine, an amino acid with highly similar properties. This amino acid position is well conserved in available vertebrate species; however, isoleucine is the reference amino acid in other vertebrate species. In addition, this alteration is predicted to be tolerated by in silico analysis. Since supporting evidence is limited at this time, the clinical significance of this alteration remains unclear.

University of Washington Department of Laboratory Medicine, University of Washington
Classification: Likely benign for Hereditary cancer-predisposing syndrome. Last evaluated: 2023-03-23. Review status: criteria provided, single submitter. Criteria: Dines et al. (Genet Med. 2020). Collection method: curation. Allele origin: germline.
Comment: Missense variant in a coldspot region where missense variants are very unlikely to be pathogenic (PMID:31911673).

BRCA1 coldspot (exon 11 using historical exon numbering). Reclassification based on statistical prior probability

NM_007294.4(BRCA1):c.3688T>A (p.Leu1230Ile)

Genes: BRCA1 (BRCA1 DNA repair associated; minus strand), LOC126862571 (BRD4-independent group 4 enhancer GRCh37_chr17:41243136-41244335; plus strand). Cytogenetic location: 17q21.31.
Variant type: single nucleotide variant.
Coding change: c.3688T>A on transcript NM_007294.4 (MANE Select); coding-DNA position 3688, T replaced by A.
Protein change: p.Leu1230Ile; replaces leucine 1230 with isoleucine.
Molecular consequence: missense variant. On other transcripts: intron variant (135).
Genome position (GRCh38, 1-based): chr17:43,091,843, A>T on the plus strand (T>A on the coding strand, the complement: BRCA1 is on the minus strand). VCF-style: chr17-43091843-A-T. GRCh37 (hg19) VCF-style: chr17-41243860-A-T.
Other names: c.644-811T>A (NM_001408463.1, NM_001408462.1, NM_001408470.1 and 3 more transcripts); c.524-811T>A (NM_001408499.1, NM_001408498.1, NM_001408501.1 and 3 more transcripts); c.671-811T>A (NM_001408422.1, NM_001408418.1, NM_001408423.1 and 2 more transcripts); c.707-811T>A (NM_001408416.1, NM_001408413.1); c.578-811T>A (NM_001408484.1, NM_001408478.1, NM_001408483.1 and 9 more transcripts); c.662-811T>A (NM_001408450.1, NM_001408434.1, NM_001408447.1 and 6 more transcripts); c.785-811T>A (NM_001408398.1, NM_001408400.1, NM_001408392.1 and 13 more transcripts); c.665-811T>A (NM_001408441.1, NM_001408437.1, NM_001408442.1 and 12 more transcripts); and 41 more; short protein forms L1183I, L1230I, L1102I, L1160I, L1162I, L1188I, L1189I, L362I.
Identifiers: ClinVar variation 824070 (VCV000824070.8), dbSNP rs786201581, ClinGen allele CA10594588.